The following is an entry in ClinVar:

ClinVar aggregate classification (germline): Uncertain significance (1 of 4 stars; one submission).

Conditions:
Catecholaminergic polymorphic ventricular tachycardia 1. Also called: RYR2-Related Catecholaminergic Polymorphic Ventricular Tachycardia; VENTRICULAR TACHYCARDIA, CATECHOLAMINERGIC POLYMORPHIC, 1, WITH OR WITHOUT ATRIAL DYSFUNCTION AND/OR DILATED CARDIOMYOPATHY; VENTRICULAR TACHYCARDIA, STRESS-INDUCED POLYMORPHIC 1. Identifiers: Orphanet 3286, MedGen C1631597, MONDO:0011484, OMIM 604772.

Submission:

Labcorp Genetics (formerly Invitae), Labcorp
Classification: Uncertain significance for Catecholaminergic polymorphic ventricular tachycardia 1. Last evaluated: 2019-10-14. Review status: criteria provided, single submitter. Criteria: Invitae Variant Classification Sherloc (09022015). Collection method: clinical testing. Allele origin: germline.
Comment: This variant, c.467_478del, results in the deletion of 4 amino acid(s) of the CASQ2 protein (p.Gln156_Glu159del), but otherwise preserves the integrity of the reading frame. This variant is not present in population databases (ExAC no frequency). This variant has not been reported in the literature in individuals with CASQ2-related conditions. Experimental studies and prediction algorithms are not available or were not evaluated, and the functional significance of this variant is currently unknown. In summary, the available evidence is currently insufficient to determine the role of this variant in disease. Therefore, it has been classified as a Variant of Uncertain Significance.

NM_001232.4(CASQ2):c.467_478del (p.Gln156_Glu159del)

Gene: CASQ2 (calsequestrin 2; minus strand). Cytogenetic location: 1p13.1.
Variant type: Deletion.
Coding change: c.467_478del on transcript NM_001232.4 (MANE Select); coding-DNA positions 467 to 478, 12 bases deleted (AAGCCTTCGAAC).
Protein change: p.Gln156_Glu159del.
Molecular consequence: inframe deletion.
Genome position (GRCh38, 1-based): chr1:115,738,278-115,738,289, GTTCGAAGGCTT deleted on the plus strand (AAGCCTTCGAAC on the coding strand, the reverse complement: CASQ2 is on the minus strand); deleting any 12 consecutive bases within chr1:115,738,278-115,738,290 gives the same sequence; the c. name uses the placement nearest the transcript's 3' end. VCF-style (leftmost placement, unchanged base first): chr1-115738277-CGTTCGAAGGCTT-C. GRCh37 (hg19) VCF-style: chr1-116280898-CGTTCGAAGGCTT-C.
Identifiers: ClinVar variation 935424 (VCV000935424.11), dbSNP rs1648034165, ClinGen allele CA1139656282.